The following is an entry in ClinVar:

ClinVar aggregate classification (germline): Likely benign. Review status: criteria provided, single submitter (1 of 4 stars). 2 submissions from 2 submitters: Likely benign (1). 1 of the submissions does not count toward it. Last evaluated 2018-07-27.

Conditions:
KATNAL2-related disorder. Also called: KATNAL2-related condition.

Allele frequency attached by ClinVar (database versions not stated): gnomAD 0.00031; gnomAD exomes 0.00035; ExAC 0.00049; 1000 Genomes Project 30x 0.00109; 1000 Genomes Project 0.00140.
gnomAD v4.1: 555 of 1,611,916 alleles (0.034%); highest among the groups gnomAD compares: East Asian, 1.2%; 3 homozygotes.

Submissions (2):

Ambry Genetics
Classification: Likely benign. Last evaluated: 2018-07-27. Review status: criteria provided, single submitter. Criteria: Ambry Variant Classification Scheme 2023. Collection method: clinical testing. Allele origin: germline.

PreventionGenetics, part of Exact Sciences
Classification: Likely benign for KATNAL2-related condition. Last evaluated: 2020-12-24. Review status: no assertion criteria provided. Collection method: clinical testing. Allele origin: germline. Not counted in ClinVar's aggregate classification.
Comment: This variant is classified as likely benign based on ACMG/AMP sequence variant interpretation guidelines (Richards et al. 2015 PMID: 25741868, with internal and published modifications).

NM_001387690.1(KATNAL2):c.467C>G (p.Thr156Ser)

Gene: KATNAL2 (katanin catalytic subunit A1 like 2; plus strand). Cytogenetic location: 18q21.1.
Variant type: single nucleotide variant.
Coding change: c.467C>G on transcript NM_001387690.1 (MANE Select); coding-DNA position 467, C replaced by G.
Protein change: p.Thr156Ser; replaces threonine 156 with serine.
Molecular consequence: missense variant. On other transcripts: non-coding transcript variant (1).
Genome position (GRCh38, 1-based): chr18:47,059,572, C>G. VCF-style: chr18-47059572-C-G. GRCh37 (hg19) VCF-style: chr18-44585943-C-G.
Other names: c.545C>G, p.Thr182Ser (NM_001353899.1, NM_001353902.1); c.542C>G, p.Thr181Ser (NM_001353900.1); c.467C>G, p.Thr156Ser (NM_001353901.1, NM_001367621.1); c.134C>G, p.Thr45Ser (NM_001353903.1, NM_001353904.1, NM_001353905.1 and 4 more transcripts); c.251C>G, p.Thr84Ser (NM_031303.3); short protein forms T84S, T156S, T182S, T45S, T181S.
Identifiers: ClinVar variation 1792508 (VCV001792508.4), dbSNP rs142467674, ClinGen allele CA8954969.